The following is an entry in ClinVar:

ClinVar aggregate classification (germline): Benign/Likely benign. Review status: criteria provided, multiple submitters, no conflicts (2 of 4 stars). 2 submissions from 2 submitters: Benign (1); Likely benign (1). Last evaluated 2024-12-30.

Conditions:
Hereditary nonpolyposis colorectal neoplasms. Identifiers: MedGen C0009405, MeSH D003123.
Lynch syndrome 5 (LYNCH5). Also called: Colorectal cancer, hereditary nonpolyposis, type 5; Hereditary non-polyposis colorectal cancer, type 5. Identifiers: Orphanet 144, MedGen C1833477, MONDO:0013710, OMIM 614350. Disease mechanism: loss of function.

gnomAD v4.1: 2 of 1,614,092 alleles (0.00012%); highest among the groups gnomAD compares: Non-Finnish European, 0.00017%; no homozygotes.

Submissions (2):

Myriad Genetics, Inc.
Classification: Benign for Lynch syndrome 5. Last evaluated: 2024-12-30. Review status: criteria provided, single submitter. Criteria: Myriad Autosomal Dominant, Autosomal Recessive and X-Linked Classification Criteria (2023). Collection method: clinical testing. Allele origin: unknown.
Comment: This variant is considered benign. This variant is a silent/synonymous amino acid change and it is not expected to impact splicing.

Labcorp Genetics (formerly Invitae), Labcorp
Classification: Likely benign for Hereditary nonpolyposis colorectal neoplasms. Last evaluated: 2023-11-19. Review status: criteria provided, single submitter. Criteria: Invitae Variant Classification Sherloc (09022015). Collection method: clinical testing. Allele origin: germline.

NM_000179.3(MSH6):c.2064C>T (p.Val688=)

Gene: MSH6 (mutS homolog 6; plus strand). Cytogenetic location: 2p16.3.
Variant type: single nucleotide variant.
Coding change: c.2064C>T on transcript NM_000179.3 (MANE Select); coding-DNA position 2064, C replaced by T.
Protein change: p.Val688=; no amino-acid change (valine 688 retained).
Molecular consequence: synonymous variant. On other transcripts: non-coding transcript variant (5), intron variant (2).
Genome position (GRCh38, 1-based): chr2:47,800,047, C>T. VCF-style: chr2-47800047-C-T. GRCh37 (hg19) VCF-style: chr2-48027186-C-T.
Other names: c.1674C>T, p.Val558= (NM_001281492.2); c.1158C>T, p.Val386= (NM_001281493.2, NM_001281494.2, NM_001406811.1 and 6 more transcripts); c.2160C>T, p.Val720= (NM_001406795.1, NM_001406802.1); c.2064C>T, p.Val688= (NM_001406796.1, NM_001406798.1, NM_001406800.1 and 3 more transcripts); c.1767C>T, p.Val589= (NM_001406797.1, NM_001406801.1, NM_001406805.1 and 10 more transcripts); c.1539C>T, p.Val513= (NM_001406799.1, NM_001406806.1, NM_001406807.1); c.1986C>T, p.Val662= (NM_001406804.1); c.2070C>T, p.Val690= (NM_001406813.1); and 3 more.
Identifiers: ClinVar variation 2815427 (VCV002815427.4), dbSNP rs1057524297, ClinGen allele CA426121393.